The following is an entry in ClinVar:

ClinVar aggregate classification (germline): Uncertain significance. Review status: criteria provided, multiple submitters, no conflicts (2 of 4 stars). 2 submissions from 2 submitters: Uncertain significance (2). Last evaluated 2024-08-30.

Conditions:
Hereditary nonpolyposis colorectal neoplasms. Identifiers: MedGen C0009405, MeSH D003123.
Hereditary cancer-predisposing syndrome. Also called: Neoplastic Syndromes, Hereditary; Tumor predisposition; Hereditary Cancer Syndrome; Hereditary neoplastic syndrome. Identifiers: Orphanet 140162, MedGen C0027672, MeSH D009386, MONDO:0015356.

Submissions (2):

Ambry Genetics
Classification: Uncertain significance for Hereditary cancer-predisposing syndrome. Last evaluated: 2024-08-30. Review status: criteria provided, single submitter. Criteria: Ambry Variant Classification Scheme 2023. Collection method: clinical testing. Allele origin: germline.
Comment: The p.N307D variant (also known as c.919A>G), located in coding exon 9 of the PMS2 gene, results from an A to G substitution at nucleotide position 919. The asparagine at codon 307 is replaced by aspartic acid, an amino acid with highly similar properties. This amino acid position is highly conserved in available vertebrate species. In addition, the in silico prediction for this alteration is inconclusive. Based on the available evidence, the clinical significance of this variant remains unclear.

Labcorp Genetics (formerly Invitae), Labcorp
Classification: Uncertain significance for Hereditary nonpolyposis colorectal neoplasms. Last evaluated: 2023-11-10. Review status: criteria provided, single submitter. Criteria: Invitae Variant Classification Sherloc (09022015). Collection method: clinical testing. Allele origin: germline.
Comment: This sequence change replaces asparagine, which is neutral and polar, with aspartic acid, which is acidic and polar, at codon 307 of the PMS2 protein (p.Asn307Asp). This variant is not present in population databases (gnomAD no frequency). This variant has not been reported in the literature in individuals affected with PMS2-related conditions. ClinVar contains an entry for this variant (Variation ID: 1766135). Advanced modeling of protein sequence and biophysical properties (such as structural, functional, and spatial information, amino acid conservation, physicochemical variation, residue mobility, and thermodynamic stability) performed at Invitae indicates that this missense variant is expected to disrupt PMS2 protein function with a positive predictive value of 80%. In summary, the available evidence is currently insufficient to determine the role of this variant in disease. Therefore, it has been classified as a Variant of Uncertain Significance.

NM_000535.7(PMS2):c.919A>G (p.Asn307Asp)

Gene: PMS2 (PMS1 homolog 2, mismatch repair system component; minus strand). Cytogenetic location: 7p22.1.
Variant type: single nucleotide variant.
Coding change: c.919A>G on transcript NM_000535.7 (MANE Select); coding-DNA position 919, A replaced by G.
Protein change: p.Asn307Asp; replaces asparagine 307 with aspartic acid.
Molecular consequence: missense variant. On other transcripts: 5 prime UTR variant (2), non-coding transcript variant (1).
Genome position (GRCh38, 1-based): chr7:5,992,042, T>C on the plus strand (A>G on the coding strand, the complement: PMS2 is on the minus strand). VCF-style: chr7-5992042-T-C. GRCh37 (hg19) VCF-style: chr7-6031673-T-C.
Other names: c.514A>G, p.Asn172Asp (NM_001018040.1, NM_001322003.2, NM_001322004.2 and 20 more transcripts); c.919A>G, p.Asn307Asp (NM_001322006.2, NM_001322014.2, NM_001406870.1 and 2 more transcripts); c.601A>G, p.Asn201Asp (NM_001322007.2, NM_001322008.2, NM_001406876.1 and 4 more transcripts); c.-15A>G (NM_001322011.2, NM_001322012.2); c.346A>G, p.Asn116Asp (NM_001322013.2, NM_001406909.1); c.610A>G, p.Asn204Asp (NM_001322015.2, NM_001406875.1, NM_001406877.1 and 6 more transcripts); c.1105A>G, p.Asn369Asp (NM_001406866.1); c.943A>G, p.Asn315Asp (NM_001406868.1); and 7 more; short protein forms N172D, N201D, N251D, N369D, N50D, N185D, N195D, N241D.
Identifiers: ClinVar variation 1766135 (VCV001766135.6), dbSNP rs2128756140, ClinGen allele CA366743197.
Genomic context (GRCh38, chr7:5,992,042, plus strand): 5'-CAGAAATGTTAAGAACAACAAATGGATACTGGTGTCGATTATACATGTGGTAGACCTCAT[T>C]CACGAGTCTGCAGACCTGCACAAAATACAAGGAGTAGAAAAGAATAAATGACAAATGTTC-3'
Protein context (NP_000526.2, residues 297-317): CDPAKVCRLV[Asn307Asp]EVYHMYNRHQ